The following is an entry in ClinVar:

NM_001244926.2(PRPF4):c.1328C>T (p.Thr443Ile)

Gene: PRPF4 (pre-mRNA splicing tri-snRNP complex factor PRPF4; plus strand). Cytogenetic location: 9q32.
Variant type: single nucleotide variant.
Coding change: c.1328C>T on transcript NM_001244926.2 (MANE Select); coding-DNA position 1328, C replaced by T.
Protein change: p.Thr443Ile; replaces threonine 443 with isoleucine.
Molecular consequence: missense variant. On other transcripts: non-coding transcript variant (2).
Genome position (GRCh38, 1-based): chr9:113,290,972, C>T. VCF-style: chr9-113290972-C-T. GRCh37 (hg19) VCF-style: chr9-116053252-C-T.
Other names: c.602C>T, p.Thr201Ile (NM_001322266.2, NM_001322267.2); c.1331C>T, p.Thr444Ile (NM_004697.5); short protein forms T201I, T443I, T444I.
Identifiers: ClinVar variation 1052359 (VCV001052359.9), dbSNP rs199753287, ClinGen allele CA5195153.

ClinVar aggregate classification (germline): Conflicting classifications of pathogenicity. Review status: criteria provided, conflicting classifications (1 of 4 stars). 3 submissions from 3 submitters: Uncertain significance (1); Likely benign (1). 1 of the submissions does not count toward it. Last evaluated 2025-12-17.

Conditions:
Retinal dystrophy. Also called: Inherited retinal dystrophy. Identifiers: Orphanet 71862, MedGen C0854723, MeSH D058499, MONDO:0019118, HP:0000556.

Allele frequency attached by ClinVar (database versions not stated): ESP Exome Variant Server 0.00008; TOPMed 0.00014; gnomAD 0.00017; gnomAD exomes 0.00021 and 0.00024; ExAC 0.00035.
gnomAD v4.1: 323 of 1,614,110 alleles (0.02%); highest among the groups gnomAD compares: Non-Finnish European, 0.025%; no homozygotes.

Submissions (3):

Labcorp Genetics (formerly Invitae), Labcorp
Classification: Uncertain significance. Last evaluated: 2025-12-17. Review status: criteria provided, single submitter. Criteria: Invitae Variant Classification Sherloc (09022015). Collection method: clinical testing. Allele origin: germline.
Comment: This sequence change replaces threonine, which is neutral and polar, with isoleucine, which is neutral and non-polar, at codon 444 of the PRPF4 protein (p.Thr444Ile). This variant is present in population databases (rs199753287, gnomAD 0.05%), and has an allele count higher than expected for a pathogenic variant. This variant has not been reported in the literature in individuals affected with PRPF4-related conditions. ClinVar contains an entry for this variant (Variation ID: 1052359). An algorithm developed to predict the effect of missense changes on protein structure and function (PolyPhen-2) suggests that this variant is likely to be disruptive. In summary, the available evidence is currently insufficient to determine the role of this variant in disease. Therefore, it has been classified as a Variant of Uncertain Significance.

Blueprint Genetics
Classification: Likely benign. Last evaluated: 2024-11-25. Review status: criteria provided, single submitter. Criteria: ACMG Guidelines, 2015. Collection method: clinical testing. Allele origin: germline.

Institute of Human Genetics, Univ. Regensburg, Univ. Regensburg
Classification: Uncertain significance for Retinal dystrophy. Last evaluated: 2022-01-01. Review status: no assertion criteria provided. Criteria: ACMG Guidelines, 2015. Collection method: clinical testing. Allele origin: germline. Affected: yes. Not counted in ClinVar's aggregate classification.